The following is an entry in ClinVar:

NM_004336.5(BUB1):c.2612A>G (p.Tyr871Cys)

Gene: BUB1 (BUB1 mitotic checkpoint serine/threonine kinase; minus strand). Cytogenetic location: 2q13.
Variant type: single nucleotide variant.
Coding change: c.2612A>G on transcript NM_004336.5 (MANE Select); coding-DNA position 2612, A replaced by G.
Protein change: p.Tyr871Cys; replaces tyrosine 871 with cysteine.
Molecular consequence: missense variant.
Genome position (GRCh38, 1-based): chr2:110,641,655, T>C on the plus strand (A>G on the coding strand, the complement: BUB1 is on the minus strand). VCF-style: chr2-110641655-T-C. GRCh37 (hg19) VCF-style: chr2-111399232-T-C.
Other names: c.2552A>G, p.Tyr851Cys (NM_001278616.2); c.2612A>G, p.Tyr871Cys (NM_001278617.2); short protein forms Y851C, Y871C.
Identifiers: ClinVar variation 1793810 (VCV001793810.2), dbSNP rs2467971934, ClinGen allele CA348090088.

ClinVar aggregate classification (germline): Uncertain significance (1 of 4 stars; one submission).

Allele frequency attached by ClinVar (database versions not stated): gnomAD exomes below 0.00001.
gnomAD v4.1: 3 of 1,611,450 alleles (0.00019%); highest among the groups gnomAD compares: Non-Finnish European, 0.00017%; no homozygotes.

Submission:

Ambry Genetics
Classification: Uncertain significance. Last evaluated: 2024-02-16. Review status: criteria provided, single submitter. Criteria: Ambry Variant Classification Scheme 2023. Collection method: clinical testing. Allele origin: germline.
Comment: The p.Y871C variant (also known as c.2612A>G), located in coding exon 21 of the BUB1 gene, results from an A to G substitution at nucleotide position 2612. The tyrosine at codon 871 is replaced by cysteine, an amino acid with highly dissimilar properties. This amino acid position is conserved. In addition, this alteration is predicted to be tolerated by in silico analysis. Since supporting evidence is limited at this time, the clinical significance of this alteration remains unclear.